The following is an entry in ClinVar:

ClinVar aggregate classification (germline): Uncertain significance (1 of 4 stars; one submission).

gnomAD v4.1: 2 of 1,597,156 alleles (0.00013%); highest among the groups gnomAD compares: Non-Finnish European, 0.00017%; no homozygotes.

Submission:

Ambry Genetics
Classification: Uncertain significance. Last evaluated: 2025-07-07. Review status: criteria provided, single submitter. Criteria: Ambry Variant Classification Scheme 2023. Collection method: clinical testing. Allele origin: germline.
Comment: The p.S352T variant (also known as c.1054T>A), located in coding exon 2 of the CDK12 gene, results from a T to A substitution at nucleotide position 1054. The serine at codon 352 is replaced by threonine, an amino acid with similar properties. This amino acid position is conserved. In addition, this alteration is predicted to be tolerated by in silico analysis. Based on the available evidence, the clinical significance of this variant remains unclear.

NM_016507.4(CDK12):c.1054T>A (p.Ser352Thr)

Gene: CDK12 (cyclin dependent kinase 12; plus strand). Cytogenetic location: 17q12.
Variant type: single nucleotide variant.
Coding change: c.1054T>A on transcript NM_016507.4 (MANE Select); coding-DNA position 1054, T replaced by A.
Protein change: p.Ser352Thr; replaces serine 352 with threonine.
Molecular consequence: missense variant.
Genome position (GRCh38, 1-based): chr17:39,470,886, T>A. VCF-style: chr17-39470886-T-A. GRCh37 (hg19) VCF-style: chr17-37627139-T-A.
Other names: c.1054T>A, p.Ser352Thr (NM_015083.4); short protein forms S352T.
Identifiers: ClinVar variation 4224270 (VCV004224270.1).